The following is an entry in ClinVar:

NM_144772.3(NAXE):c.5C>T (p.Ser2Phe)

Gene: NAXE (NAD(P)HX epimerase; plus strand). Cytogenetic location: 1q22.
Variant type: single nucleotide variant.
Coding change: c.5C>T on transcript NM_144772.3 (MANE Select); coding-DNA position 5, C replaced by T.
Protein change: p.Ser2Phe; replaces serine 2 with phenylalanine.
Molecular consequence: missense variant.
Genome position (GRCh38, 1-based): chr1:156,591,809, C>T. VCF-style: chr1-156591809-C-T. GRCh37 (hg19) VCF-style: chr1-156561601-C-T.
Other names: short protein forms S2F.
Identifiers: ClinVar variation 1971772 (VCV001971772.5), dbSNP rs1280212812, ClinGen allele CA342870147.

ClinVar aggregate classification (germline): Uncertain significance (1 of 4 stars; one submission).

gnomAD v4.1: 2 of 1,592,678 alleles (0.00013%); highest among the groups gnomAD compares: East Asian, 0.0023%; no homozygotes.

Submission:

Labcorp Genetics (formerly Invitae), Labcorp
Classification: Uncertain significance. Last evaluated: 2023-11-27. Review status: criteria provided, single submitter. Criteria: Invitae Variant Classification Sherloc (09022015). Collection method: clinical testing. Allele origin: germline.
Comment: This sequence change replaces serine, which is neutral and polar, with phenylalanine, which is neutral and non-polar, at codon 2 of the NAXE protein (p.Ser2Phe). This variant is not present in population databases (gnomAD no frequency). This variant has not been reported in the literature in individuals affected with NAXE-related conditions. ClinVar contains an entry for this variant (Variation ID: 1971772). Experimental studies and prediction algorithms are not available or were not evaluated, and the functional significance of this variant is currently unknown. In summary, the available evidence is currently insufficient to determine the role of this variant in disease. Therefore, it has been classified as a Variant of Uncertain Significance.